The following is an entry in ClinVar:

NM_005445.4(SMC3):c.1539del (p.Asn513fs)

Gene: SMC3 (structural maintenance of chromosomes 3; plus strand). Cytogenetic location: 10q25.2.
Variant type: Deletion.
Coding change: c.1539del on transcript NM_005445.4 (MANE Select); coding-DNA position 1539, one base deleted (C; older notation c.1539delC).
Protein change: p.Asn513fs; shifts the reading frame from asparagine 513.
Molecular consequence: frameshift variant.
Genome position (GRCh38, 1-based): chr10:110,590,441, C deleted. VCF-style (leftmost placement, unchanged base first): chr10-110590440-AC-A. GRCh37 (hg19) VCF-style: chr10-112350198-AC-A.
Other names: c.1539delC (NM_005445.3); short protein forms N513fs.
Identifiers: ClinVar variation 419035 (VCV000419035.2), dbSNP rs1064793598, ClinGen allele CA16618928.
Genomic context (GRCh38, chr10:110,590,440, plus strand): 5'-TTTTAATATTTTTCATTTCTGACAACTTACAGGCCATTTTAAATGGAATAGACAGCATAA[AC>A]AAAGTGCTAGACCACTTCCGTCGAAAAGGAATAAACCAGCATGTTCAAAATGGCTATCAT-3'

ClinVar aggregate classification (germline): Pathogenic (1 of 4 stars; one submission).

Submission:

GeneDx
Classification: Pathogenic. Last evaluated: 2015-05-28. Review status: criteria provided, single submitter. Criteria: GeneDx Variant Classification (06012015). Collection method: clinical testing. Allele origin: germline. Affected: yes.
Comment: The c.1539delC deletion in the SMC3 gene has not been reported previously as a pathogenic variant nor as a benign polymorphism, to our knowledge. The c.1539delC variant was not observed inapproximately 6500 individuals of European and African American ancestry in the NHLBI ExomeSequencing Project, indicating it is not a common benign variant in these populations. The c.1539delCdeletion causes a frameshift starting with codon Asparagine 513, changes this amino acid to a Lysineresidue, and creates a premature Stop codon at position 4 of the new reading frame, denotedp.Asn513LysfsX4. This deletion is predicted to cause loss of normal protein function either throughprotein truncation or nonsense-mediated mRNA decay. We interpret c.1539delC as a pathogenic variant.